The following is an entry in ClinVar:

ClinVar aggregate classification (germline): Likely benign (1 of 4 stars; one submission).

Allele frequency attached by ClinVar (database versions not stated): ExAC 0.00001; gnomAD exomes 0.00001; TOPMed 0.00001; gnomAD 0.00003.
gnomAD v4.1: 12 of 1,208,956 alleles (0.00099%); highest among the groups gnomAD compares: Non-Finnish European, 0.0013%; no homozygotes.

Submission:

CeGaT Center for Human Genetics Tuebingen
Classification: Likely benign. Last evaluated: 2022-09-01. Review status: criteria provided, single submitter. Criteria: CeGaT Center For Human Genetics Tuebingen Variant Classification Criteria Version 2. Collection method: clinical testing. Allele origin: germline. Affected: yes. Observed: 1 variant allele.
Comment: FOXO4: BP4, BP7

NM_005938.4(FOXO4):c.666A>C (p.Pro222=)

Gene: FOXO4 (forkhead box O4; plus strand). Cytogenetic location: Xq13.1.
Variant type: single nucleotide variant.
Coding change: c.666A>C on transcript NM_005938.4 (MANE Select); coding-DNA position 666, A replaced by C.
Protein change: p.Pro222=; no amino-acid change (proline 222 retained).
Molecular consequence: synonymous variant.
Genome position (GRCh38, 1-based): chrX:71,100,896, A>C. VCF-style: chrX-71100896-A-C. GRCh37 (hg19) VCF-style: chrX-70320746-A-C.
Other names: c.501A>C, p.Pro167= (NM_001170931.2).
Identifiers: ClinVar variation 2660837 (VCV002660837.24), dbSNP rs765302843, ClinGen allele CA10443485.
Genomic context (GRCh38, chrX:71,100,896, plus strand): 5'-CAAGCTGCTCCGGGGCCGCAGTAAAGCCCCCAAGAAGAAACCATCTGTGCTGCCAGCTCC[A>C]CCCGAAGGTGCCACTCCAACGAGCCCTGTCGGCCACTTTGCCAAGTGGTCAGGCAGCCCT-3'
Protein context (NP_005929.2, residues 212-232): PKKKPSVLPA[Pro222=]PEGATPTSPV